The following is an entry in ClinVar:

ClinVar aggregate classification (germline): Uncertain significance (1 of 4 stars; one submission).

Conditions:
NRP1-related disorder. Also called: NRP1-related condition.

Submission:

PreventionGenetics, part of Exact Sciences
Classification: Uncertain significance for NRP1-related condition. Last evaluated: 2025-01-16. Review status: criteria provided, single submitter. Criteria: ACMG Guidelines, 2015. Collection method: clinical testing. Allele origin: germline.
Comment: The NRP1 c.53C>T variant is predicted to result in the amino acid substitution p.Pro18Leu. To our knowledge, this variant has not been reported in the literature or in a large population database (gnomAD), indicating this variant is rare. At this time, the clinical significance of this variant is uncertain due to the absence of conclusive functional and genetic evidence.

NM_003873.7(NRP1):c.53C>T (p.Pro18Leu)

Gene: NRP1 (neuropilin 1; minus strand). Cytogenetic location: 10p11.22.
Variant type: single nucleotide variant.
Coding change: c.53C>T on transcript NM_003873.7 (MANE Select); coding-DNA position 53, C replaced by T.
Protein change: p.Pro18Leu; replaces proline 18 with leucine.
Molecular consequence: missense variant. On other transcripts: non-coding transcript variant (1).
Genome position (GRCh38, 1-based): chr10:33,334,330, G>A on the plus strand (C>T on the coding strand, the complement: NRP1 is on the minus strand). VCF-style: chr10-33334330-G-A. GRCh37 (hg19) VCF-style: chr10-33623258-G-A.
Other names: c.53C>T, p.Pro18Leu (NM_001024628.3, NM_001024629.3, NM_001244972.2 and 2 more transcripts); short protein forms P18L.
Identifiers: ClinVar variation 5000455 (VCV005000455.1).
Genomic context (GRCh38, chr10:33,334,330, plus strand): 5'-CGGGGCGCCGCTGTCACCCGCGCCTCTGCCTGTCACTTACCGTTGCGAAAAGCGCCGGCC[G>A]GGGCGAGGACGAGGGCGAGCACGGCGCAGAGGAGCGGCAGCCCCCTCTCCATTCTCCCTT-3'
Protein context (NP_003864.5, residues 8-28): LCAVLALVLA[Pro18Leu]AGAFRNDKCG